The following is an entry in ClinVar:

NM_003632.3(CNTNAP1):c.3964G>A (p.Ala1322Thr)

Genes: CNTNAP1 (contactin associated protein 1; plus strand), LOC128669077 (EZH1 +46 kb erythroid enhancer; plus strand). Cytogenetic location: 17q21.2.
Variant type: single nucleotide variant.
Coding change: c.3964G>A on transcript NM_003632.3 (MANE Select); coding-DNA position 3964, G replaced by A.
Protein change: p.Ala1322Thr; replaces alanine 1322 with threonine.
Molecular consequence: missense variant.
Genome position (GRCh38, 1-based): chr17:42,698,719, G>A. VCF-style: chr17-42698719-G-A. GRCh37 (hg19) VCF-style: chr17-40850737-G-A.
Other names: c.3964G>A (NM_003632.2); short protein forms A1322T.
Identifiers: ClinVar variation 2066755 (VCV002066755.5), dbSNP rs1256447488, ClinGen allele CA399631464.

ClinVar aggregate classification (germline): Uncertain significance. Review status: criteria provided, multiple submitters, no conflicts (2 of 4 stars). 2 submissions from 2 submitters: Uncertain significance (2). Last evaluated 2025-07-03.

Conditions:
Inborn genetic diseases. Identifiers: MedGen C0950123, MeSH D030342.

Allele frequency attached by ClinVar (database versions not stated): TOPMed 0.00001; gnomAD exomes below 0.00001.

Submissions (2):

Ambry Genetics
Classification: Uncertain significance for Inborn genetic diseases. Last evaluated: 2025-07-03. Review status: criteria provided, single submitter. Criteria: Ambry Variant Classification Scheme 2023. Collection method: clinical testing. Allele origin: germline.

Labcorp Genetics (formerly Invitae), Labcorp
Classification: Uncertain significance. Last evaluated: 2022-11-15. Review status: criteria provided, single submitter. Criteria: Invitae Variant Classification Sherloc (09022015). Collection method: clinical testing. Allele origin: germline.
Comment: In summary, the available evidence is currently insufficient to determine the role of this variant in disease. Therefore, it has been classified as a Variant of Uncertain Significance. Algorithms developed to predict the effect of missense changes on protein structure and function are either unavailable or do not agree on the potential impact of this missense change (SIFT: "Deleterious"; PolyPhen-2: "Benign"; Align-GVGD: "Class C0"). This variant has not been reported in the literature in individuals affected with CNTNAP1-related conditions. This variant is present in population databases (no rsID available, gnomAD 0.0009%). This sequence change replaces alanine, which is neutral and non-polar, with threonine, which is neutral and polar, at codon 1322 of the CNTNAP1 protein (p.Ala1322Thr).